The following is an entry in ClinVar:

NM_025137.4(SPG11):c.6451del (p.Ala2151fs)

Gene: SPG11 (SPG11 vesicle trafficking associated, spatacsin; minus strand). Cytogenetic location: 15q21.1.
Variant type: Deletion.
Coding change: c.6451del on transcript NM_025137.4 (MANE Select); coding-DNA position 6451, one base deleted (G; older notation c.6451delG).
Protein change: p.Ala2151fs; shifts the reading frame from alanine 2151.
Molecular consequence: frameshift variant.
Genome position (GRCh38, 1-based): chr15:44,570,551, C deleted on the plus strand (G on the coding strand, the reverse complement: SPG11 is on the minus strand); the first of 2 consecutive C bases (chr15:44,570,551-44,570,552); deleting either gives the same sequence. VCF-style (leftmost placement, unchanged base first): chr15-44570550-GC-G. GRCh37 (hg19) VCF-style: chr15-44862748-GC-G.
Other names: c.6112del, p.Ala2038fs (NM_001160227.2); short protein forms A2038fs, A2151fs.
Identifiers: ClinVar variation 41344 (VCV000041344.17), dbSNP rs312262779, ClinGen allele CA344376.

ClinVar aggregate classification (germline): Pathogenic. Review status: criteria provided, multiple submitters, no conflicts (2 of 4 stars). 5 submissions from 5 submitters: Pathogenic (4). 1 of the submissions does not count toward it. Last evaluated 2024-03-01.

Conditions:
SPG11-related disorder. Also called: SPG11-related condition.
Hereditary spastic paraplegia 11. Also called: SPASTIC PARAPLEGIA, AUTOSOMAL RECESSIVE, COMPLICATED, WITH THIN CORPUS CALLOSUM; SPASTIC PARAPLEGIA, AUTOSOMAL RECESSIVE, WITH MENTAL IMPAIRMENT AND THIN CORPUS CALLOSUM; Spastic Paraplegia 11; Spastic paraplegia, mental retardation and thin corpus callosum; Nakamura Osame syndrome; Autosomal recessive hereditary spastic paraplegia, mental impairment, and thin corpus callosum. Identifiers: Orphanet 2822, MedGen C1858479, MONDO:0011445, OMIM 604360.

Submissions (5):

Labcorp Genetics (formerly Invitae), Labcorp
Classification: Pathogenic for Hereditary spastic paraplegia 11. Last evaluated: 2024-03-01. Review status: criteria provided, single submitter. Criteria: Invitae Variant Classification Sherloc (09022015). Collection method: clinical testing. Allele origin: germline.
Comment: This sequence change creates a premature translational stop signal (p.Ala2151Profs*22) in the SPG11 gene. It is expected to result in an absent or disrupted protein product. Loss-of-function variants in SPG11 are known to be pathogenic (PMID: 19105190, 20110243, 22154821, 26556829). This variant is present in population databases (rs312262779, gnomAD 0.0009%). This premature translational stop signal has been observed in individual(s) with autosomal recessive hereditary spastic paraplegia (PMID: 17322883). It has also been observed to segregate with disease in related individuals. ClinVar contains an entry for this variant (Variation ID: 41344). For these reasons, this variant has been classified as Pathogenic.

Blueprint Genetics
Classification: Pathogenic for SPG11-related disorders. Last evaluated: 2022-06-08. Review status: criteria provided, single submitter. Criteria: ACMG Guidelines, 2015. Collection method: clinical testing. Allele origin: germline. Affected: yes. Observed: 1 variant allele.

Eurofins Ntd Llc (ga)
Classification: Pathogenic. Last evaluated: 2018-02-21. Review status: criteria provided, single submitter. Criteria: EGL ClinVar v180209 classification definitions. Collection method: clinical testing. Allele origin: germline. Observed: 1 variant allele, 1 heterozygote.

Genome-Nilou Lab
Classification: Pathogenic for Hereditary spastic paraplegia 11. Review status: criteria provided, single submitter. Criteria: ACMG Guidelines, 2015. Collection method: clinical testing. Allele origin: germline.

GeneReviews
No classification provided. Condition: Hereditary spastic paraplegia 11. Review status: no classification provided. Collection method: literature only. Allele origin: unknown. Not counted in ClinVar's aggregate classification.

Literature cited by the submitters: PubMed 19105190 (cited by Labcorp Genetics (formerly Invitae), Labcorp); PubMed 20110243 (cited by Labcorp Genetics (formerly Invitae), Labcorp); PubMed 22154821 (cited by Labcorp Genetics (formerly Invitae), Labcorp); PubMed 26556829 (cited by Labcorp Genetics (formerly Invitae), Labcorp); PubMed 17322883 (cited by Labcorp Genetics (formerly Invitae), Labcorp and GeneReviews); PubMed 20301389 (cited by GeneReviews); NCBI Bookshelf NBK1210 (cited by GeneReviews).